The following is an entry in ClinVar:

NM_001267550.2(TTN):c.877G>A (p.Val293Ile)

Gene: TTN (titin; minus strand). Cytogenetic location: 2q31.2.
Variant type: single nucleotide variant.
Coding change: c.877G>A on transcript NM_001267550.2 (MANE Select); coding-DNA position 877, G replaced by A.
Protein change: p.Val293Ile; replaces valine 293 with isoleucine.
Molecular consequence: missense variant.
Genome position (GRCh38, 1-based): chr2:178,799,524, C>T on the plus strand (G>A on the coding strand, the complement: TTN is on the minus strand). VCF-style: chr2-178799524-C-T. GRCh37 (hg19) VCF-style: chr2-179664251-C-T.
Other names: c.877G>A, p.Val293Ile (NM_001256850.1, NM_003319.4, NM_133378.4 and 3 more transcripts); short protein forms V293I.
Identifiers: ClinVar variation 1764638 (VCV001764638.3), dbSNP rs779553333, ClinGen allele CA2006205.

ClinVar aggregate classification (germline): Conflicting classifications of pathogenicity. Review status: criteria provided, conflicting classifications (1 of 4 stars). 2 submissions from 2 submitters: Uncertain significance (1); Likely benign (1). Last evaluated 2025-04-09.

Conditions:
Cardiovascular phenotype. Identifiers: MedGen CN230736.

Allele frequency attached by ClinVar (database versions not stated): ExAC 0.00001; gnomAD 0.00001.

Submissions (2):

Molecular Diagnostic Laboratory for Inherited Cardiovascular Disease, Montreal Heart Institute
Classification: Likely benign. Last evaluated: 2025-04-09. Review status: criteria provided, single submitter. Criteria: ACMG Guidelines, 2015. Collection method: clinical testing. Allele origin: germline. Affected: no.

Ambry Genetics
Classification: Uncertain significance for Cardiovascular phenotype. Last evaluated: 2020-03-26. Review status: criteria provided, single submitter. Criteria: Ambry Variant Classification Scheme 2023. Collection method: clinical testing. Allele origin: germline.
Comment: The p.V293I variant (also known as c.877G>A), located in coding exon 5 of the TTN gene, results from a G to A substitution at nucleotide position 877. The valine at codon 293 is replaced by isoleucine, an amino acid with highly similar properties. This amino acid position is highly conserved in available vertebrate species. In addition, the in silico prediction for this alteration is inconclusive. Since supporting evidence is limited at this time, the clinical significance of this alteration remains unclear.